The following is an entry in ClinVar:

ClinVar aggregate classification (germline): Uncertain significance. Review status: criteria provided, multiple submitters, no conflicts (2 of 4 stars). 2 submissions from 2 submitters: Uncertain significance (2). Last evaluated 2025-10-23.

Conditions:
Frasier syndrome. Identifiers: Orphanet 347, MedGen C0950122, MeSH D052159, MONDO:0007635, OMIM 136680.
Wilms tumor 1 (WT1). Also called: Wilms tumor, somatic. Identifiers: Orphanet 654, MedGen CN033288, MONDO:0008679, OMIM 194070.
11p partial monosomy syndrome (WAGR). Also called: CHROMOSOME 11p13 DELETION SYNDROME; WAGR syndrome; WAGR Complex; WAGR Spectrum Disorder. Identifiers: Orphanet 893, MedGen C0206115, MONDO:0008681, OMIM 194072.
Drash syndrome (DDS). Also called: NEPHROPATHY, WILMS TUMOR, AND GENITAL ANOMALIES; WILMS TUMOR AND PSEUDO- OR TRUE HERMAPHRODITISM. Identifiers: Orphanet 220, MedGen C0950121, MONDO:0008682, OMIM 194080.
Inborn genetic diseases. Identifiers: MedGen C0950123, MeSH D030342.

Submissions (2):

Ambry Genetics
Classification: Uncertain significance for Inborn genetic diseases. Last evaluated: 2025-10-23. Review status: criteria provided, single submitter. Criteria: Ambry Variant Classification Scheme 2023. Collection method: clinical testing. Allele origin: germline.
Comment: The p.A199V variant (also known as c.596C>T), located in coding exon 1 of the WT1 gene, results from a C to T substitution at nucleotide position 596. The alanine at codon 199 is replaced by valine, an amino acid with similar properties. This amino acid position is conserved. In addition, this alteration is predicted to be tolerated by in silico analysis. Based on the available evidence, the clinical significance of this variant remains unclear.

Labcorp Genetics (formerly Invitae), Labcorp
Classification: Uncertain significance for Wilms tumor 1; Drash syndrome; 11p partial monosomy syndrome; Frasier syndrome. Last evaluated: 2023-07-10. Review status: criteria provided, single submitter. Criteria: Invitae Variant Classification Sherloc (09022015). Collection method: clinical testing. Allele origin: germline.
Comment: In summary, the available evidence is currently insufficient to determine the role of this variant in disease. Therefore, it has been classified as a Variant of Uncertain Significance. An algorithm developed to predict the effect of missense changes on protein structure and function (PolyPhen-2) suggests that this variant is likely to be tolerated. ClinVar contains an entry for this variant (Variation ID: 1433291). This variant has not been reported in the literature in individuals affected with WT1-related conditions. This variant is not present in population databases (gnomAD no frequency). This sequence change replaces alanine, which is neutral and non-polar, with valine, which is neutral and non-polar, at codon 199 of the WT1 protein (p.Ala199Val).

NM_024426.6(WT1):c.611C>T (p.Ala204Val)

Genes: WT1 (WT1 transcription factor; minus strand), LOC107982234 (WT1/WT1-AS bi-directional promoter region; plus strand). Cytogenetic location: 11p13.
Variant type: single nucleotide variant.
Coding change: c.611C>T on transcript NM_024426.6 (MANE Select); coding-DNA position 611, C replaced by T.
Protein change: p.Ala204Val; replaces alanine 204 with valine.
Molecular consequence: missense variant. On other transcripts: non-coding transcript variant (1).
Genome position (GRCh38, 1-based): chr11:32,434,750, G>A on the plus strand (C>T on the coding strand, the complement: WT1 is on the minus strand). VCF-style: chr11-32434750-G-A. GRCh37 (hg19) VCF-style: chr11-32456296-G-A.
Other names: c.611C>T, p.Ala204Val (NM_000378.6, NM_024424.5); c.596C>T (NM_024426.4); short protein forms A204V.
Identifiers: ClinVar variation 1433291 (VCV001433291.7), dbSNP rs1277548839, ClinGen allele CA379964533.
Genomic context (GRCh38, chr11:32,434,750, plus strand): 5'-GCCTACTTACCCTGATTGCGAATAGCGGGCTGGCTCTCGAGGCAGCTGGGCAGGTAGGGC[G>A]CGTTAGGAAACATCCTGGCCTGGCCGGATGACGCCTGGCTGGGCGGAGGAGGACCGAAGG-3'
Protein context (NP_077744.4, residues 194-214): SSGQARMFPN[Ala204Val]PYLPSCLESQ